The following is an entry in ClinVar:

NM_152703.5(SAMD9L):c.2177C>A (p.Ala726Glu)

Gene: SAMD9L (sterile alpha motif domain containing 9 like; minus strand). Cytogenetic location: 7q21.2.
Variant type: single nucleotide variant.
Coding change: c.2177C>A on transcript NM_152703.5 (MANE Select); coding-DNA position 2177, C replaced by A.
Protein change: p.Ala726Glu; replaces alanine 726 with glutamic acid.
Molecular consequence: missense variant.
Genome position (GRCh38, 1-based): chr7:93,133,795, G>T on the plus strand (C>A on the coding strand, the complement: SAMD9L is on the minus strand). VCF-style: chr7-93133795-G-T. GRCh37 (hg19) VCF-style: chr7-92763108-G-T.
Other names: c.2177C>A, p.Ala726Glu (NM_001303496.3, NM_001303497.3, NM_001303498.3 and 5 more transcripts); short protein forms A726E.
Identifiers: ClinVar variation 2118405 (VCV002118405.4), dbSNP rs979483507, ClinGen allele CA161961917.

ClinVar aggregate classification (germline): Uncertain significance (1 of 4 stars; one submission).

Allele frequency attached by ClinVar (database versions not stated): TOPMed below 0.00001; gnomAD 0.00001.
gnomAD v4.1: 1 of 1,613,700 alleles (0.000062%); highest among the groups gnomAD compares: Non-Finnish European, 0.000085%; no homozygotes.

Submission:

Labcorp Genetics (formerly Invitae), Labcorp
Classification: Uncertain significance. Last evaluated: 2022-03-27. Review status: criteria provided, single submitter. Criteria: Invitae Variant Classification Sherloc (09022015). Collection method: clinical testing. Allele origin: germline.
Comment: In summary, the available evidence is currently insufficient to determine the role of this variant in disease. Therefore, it has been classified as a Variant of Uncertain Significance. Algorithms developed to predict the effect of missense changes on protein structure and function are either unavailable or do not agree on the potential impact of this missense change (SIFT: "Not Available"; PolyPhen-2: "Benign"; Align-GVGD: "Not Available"). This variant has not been reported in the literature in individuals affected with SAMD9L-related conditions. This variant is not present in population databases (gnomAD no frequency). This sequence change replaces alanine, which is neutral and non-polar, with glutamic acid, which is acidic and polar, at codon 726 of the SAMD9L protein (p.Ala726Glu).